The following is an entry in ClinVar:

ClinVar aggregate classification (germline): Uncertain significance (1 of 4 stars; one submission).

Allele frequency attached by ClinVar (database versions not stated): TOPMed below 0.00001.

Submission:

Ambry Genetics
Classification: Uncertain significance. Last evaluated: 2021-08-24. Review status: criteria provided, single submitter. Criteria: Ambry Variant Classification Scheme 2023. Collection method: clinical testing. Allele origin: germline.
Comment: The p.V43I variant (also known as c.127G>A), located in coding exon 2 of the ALPK2 gene, results from a G to A substitution at nucleotide position 127. The valine at codon 43 is replaced by isoleucine, an amino acid with highly similar properties. This amino acid position is conserved. In addition, this alteration is predicted to be tolerated by in silico analysis. Since supporting evidence is limited at this time, the clinical significance of this alteration remains unclear.

NM_052947.4(ALPK2):c.127G>A (p.Val43Ile)

Gene: ALPK2 (alpha kinase 2; minus strand). Cytogenetic location: 18q21.32.
Variant type: single nucleotide variant.
Coding change: c.127G>A on transcript NM_052947.4 (MANE Select); coding-DNA position 127, G replaced by A.
Protein change: p.Val43Ile; replaces valine 43 with isoleucine.
Molecular consequence: missense variant.
Genome position (GRCh38, 1-based): chr18:58,607,422, C>T on the plus strand (G>A on the coding strand, the complement: ALPK2 is on the minus strand). VCF-style: chr18-58607422-C-T. GRCh37 (hg19) VCF-style: chr18-56274654-C-T.
Other names: short protein forms V43I.
Identifiers: ClinVar variation 1767582 (VCV001767582.2), dbSNP rs2052103926, ClinGen allele CA402556291.